The following is an entry in ClinVar:

NM_007198.4(PLPBP):c.634C>A (p.Leu212Met)

Gene: PLPBP (pyridoxal phosphate binding protein; plus strand). Cytogenetic location: 8p11.23.
Variant type: single nucleotide variant.
Coding change: c.634C>A on transcript NM_007198.4 (MANE Select); coding-DNA position 634, C replaced by A.
Protein change: p.Leu212Met; replaces leucine 212 with methionine.
Molecular consequence: missense variant.
Genome position (GRCh38, 1-based): chr8:37,775,954, C>A. VCF-style: chr8-37775954-C-A. GRCh37 (hg19) VCF-style: chr8-37633472-C-A.
Other names: c.664C>A, p.Leu222Met (NM_001349346.2); c.628C>A, p.Leu210Met (NM_001349347.2); c.478C>A, p.Leu160Met (NM_001349348.2); short protein forms L222M, L212M, L210M, L160M.
Identifiers: ClinVar variation 2072942 (VCV002072942.1), dbSNP rs775646484, ClinGen allele CA4711302.

ClinVar aggregate classification (germline): Uncertain significance (1 of 4 stars; one submission).

Allele frequency attached by ClinVar (database versions not stated): gnomAD 0.00001; TOPMed 0.00001; ExAC 0.00002.
gnomAD v4.1: 7 of 1,613,940 alleles (0.00043%); highest among the groups gnomAD compares: Admixed American, 0.012%; no homozygotes.

Submission:

Labcorp Genetics (formerly Invitae), Labcorp
Classification: Uncertain significance. Last evaluated: 2022-05-05. Review status: criteria provided, single submitter. Criteria: Invitae Variant Classification Sherloc (09022015). Collection method: clinical testing. Allele origin: germline.
Comment: This sequence change replaces leucine, which is neutral and non-polar, with methionine, which is neutral and non-polar, at codon 212 of the PROSC protein (p.Leu212Met). This variant is present in population databases (rs775646484, gnomAD 0.02%). This variant has not been reported in the literature in individuals affected with PROSC-related conditions. Algorithms developed to predict the effect of missense changes on protein structure and function (SIFT, PolyPhen-2, Align-GVGD) all suggest that this variant is likely to be tolerated. In summary, the available evidence is currently insufficient to determine the role of this variant in disease. Therefore, it has been classified as a Variant of Uncertain Significance.